The following is an entry in ClinVar:

ClinVar aggregate classification (germline): Pathogenic (1 of 4 stars; one submission).

Submission:

Labcorp Genetics (formerly Invitae), Labcorp
Classification: Pathogenic. Last evaluated: 2023-05-16. Review status: criteria provided, single submitter. Criteria: Invitae Variant Classification Sherloc (09022015). Collection method: clinical testing. Allele origin: germline.
Comment: For these reasons, this variant has been classified as Pathogenic. This variant has not been reported in the literature in individuals affected with PCNT-related conditions. This variant is not present in population databases (gnomAD no frequency). This sequence change creates a premature translational stop signal (p.Gly1339Aspfs*9) in the PCNT gene. It is expected to result in an absent or disrupted protein product. Loss-of-function variants in PCNT are known to be pathogenic (PMID: 18174396, 22821869).

Literature cited by the submitters: PubMed 18174396; PubMed 22821869.

NM_006031.6(PCNT):c.4016del (p.Gly1339fs)

Gene: PCNT (pericentrin; plus strand). Cytogenetic location: 21q22.3.
Variant type: Deletion.
Coding change: c.4016del on transcript NM_006031.6 (MANE Select); coding-DNA position 4016, one base deleted (G; older notation c.4016delG).
Protein change: p.Gly1339fs; shifts the reading frame from glycine 1339.
Molecular consequence: frameshift variant.
Genome position (GRCh38, 1-based): chr21:46,391,176, G deleted; the last of 3 consecutive G bases (chr21:46,391,174-46,391,176); deleting any one gives the same sequence. VCF-style (leftmost placement, unchanged base first): chr21-46391173-AG-A. GRCh37 (hg19) VCF-style: chr21-47811088-AG-A.
Other names: c.3662del, p.Gly1221fs (NM_001315529.2); short protein forms G1339fs, G1221fs.
Identifiers: ClinVar variation 2864933 (VCV002864933.3), dbSNP rs2518551797, ClinGen allele CA2739266362.